The following is an entry in ClinVar:

NM_001083962.2(TCF4):c.1363C>T (p.Arg455Cys)

Genes: TCF4 (transcription factor 4; minus strand), LOC121627832 (Sharpr-MPRA regulatory region 5538; plus strand). Cytogenetic location: 18q21.2.
Variant type: single nucleotide variant.
Coding change: c.1363C>T on transcript NM_001083962.2 (MANE Select); coding-DNA position 1363, C replaced by T.
Protein change: p.Arg455Cys; replaces arginine 455 with cysteine.
Molecular consequence: missense variant.
Genome position (GRCh38, 1-based): chr18:55,234,671, G>A on the plus strand (C>T on the coding strand, the complement: TCF4 is on the minus strand). VCF-style: chr18-55234671-G-A. GRCh37 (hg19) VCF-style: chr18-52901902-G-A.
Other names: c.1360C>T, p.Arg454Cys (NM_001330604.3, NM_001369574.1, NM_001369569.1 and 2 more transcripts); c.973C>T, p.Arg325Cys (NM_001330605.3, NM_001348212.2, NM_001348213.2 and 1 more transcripts); c.1237C>T, p.Arg413Cys (NM_001348211.2, NM_001243231.2); c.880C>T, p.Arg294Cys (NM_001348214.2); c.715C>T, p.Arg239Cys (NM_001348215.2); c.883C>T, p.Arg295Cys (NM_001348216.2, NM_001243234.2, NM_001243235.2 and 1 more transcripts); c.1291C>T, p.Arg431Cys (NM_001348217.1, NM_001348218.2, NM_001369575.1 and 5 more transcripts); c.1288C>T, p.Arg430Cys (NM_001369576.1, NM_001369577.1, NM_001369578.1 and 6 more transcripts); and 6 more; short protein forms R413C, R452C, R239C, R325C, R430C, R461C, R295C, R384C.
Identifiers: ClinVar variation 2887622 (VCV002887622.3), dbSNP rs1244450550, ClinGen allele CA402532107.
Genomic context (GRCh38, chr18:55,234,671, plus strand): 5'-GAACCGGAACCTGGTTTGGCAGAAGAGAATGGCTGCCTCTCAGGGCCACGCCATCTTCAC[G>A]ATGGGTCCCCACCTGAAAGGGCGAGAGGAACCAGAGAGGTGAGCAGGAACCGGAGGTGCG-3'
Protein context (NP_001077431.1, residues 445-465): NRHSLMVGTH[Arg455Cys]EDGVALRGSH

ClinVar aggregate classification (germline): Uncertain significance (1 of 4 stars; one submission).

Conditions:
Pitt-Hopkins syndrome (PTHS). Also called: ENCEPHALOPATHY, SEVERE EPILEPTIC, WITH AUTONOMIC DYSFUNCTION; MENTAL RETARDATION, SYNDROMAL, WITH INTERMITTENT HYPERVENTILATION. Identifiers: Orphanet 2896, MedGen C1970431, MONDO:0012589, OMIM 610954.

gnomAD v4.1: 3 of 1,614,154 alleles (0.00019%); highest among the groups gnomAD compares: Non-Finnish European, 0.00025%; no homozygotes.

Submission:

Labcorp Genetics (formerly Invitae), Labcorp
Classification: Uncertain significance for Pitt-Hopkins syndrome. Last evaluated: 2024-03-11. Review status: criteria provided, single submitter. Criteria: Invitae Variant Classification Sherloc (09022015). Collection method: clinical testing. Allele origin: germline.
Comment: This sequence change replaces arginine, which is basic and polar, with cysteine, which is neutral and slightly polar, at codon 455 of the TCF4 protein (p.Arg455Cys). This variant is present in population databases (no rsID available, gnomAD 0.0009%). This variant has not been reported in the literature in individuals affected with TCF4-related conditions. Advanced modeling of protein sequence and biophysical properties (such as structural, functional, and spatial information, amino acid conservation, physicochemical variation, residue mobility, and thermodynamic stability) performed at Invitae indicates that this missense variant is not expected to disrupt TCF4 protein function with a negative predictive value of 80%. In summary, the available evidence is currently insufficient to determine the role of this variant in disease. Therefore, it has been classified as a Variant of Uncertain Significance.